The following is an entry in ClinVar:

ClinVar aggregate classification (germline): Uncertain significance (1 of 4 stars; one submission).

gnomAD v4.1: 3 of 1,590,380 alleles (0.00019%); highest among the groups gnomAD compares: Non-Finnish European, 0.00025%; no homozygotes.

Submission:

Labcorp Genetics (formerly Invitae), Labcorp
Classification: Uncertain significance. Last evaluated: 2025-01-23. Review status: criteria provided, single submitter. Criteria: Invitae Variant Classification Sherloc (09022015). Collection method: clinical testing. Allele origin: germline.
Comment: This sequence change replaces glycine, which is neutral and non-polar, with glutamic acid, which is acidic and polar, at codon 20 of the PUS1 protein (p.Gly20Glu). The frequency data for this variant in the population databases is considered unreliable, as metrics indicate poor data quality at this position in the gnomAD database. This variant has not been reported in the literature in individuals affected with PUS1-related conditions. An algorithm developed to predict the effect of missense changes on protein structure and function (PolyPhen-2) suggests that this variant is likely to be disruptive. In summary, the available evidence is currently insufficient to determine the role of this variant in disease. Therefore, it has been classified as a Variant of Uncertain Significance.

NM_025215.6(PUS1):c.59G>A (p.Gly20Glu)

Gene: PUS1 (pseudouridine synthase 1; plus strand). Cytogenetic location: 12q24.33.
Variant type: single nucleotide variant.
Coding change: c.59G>A on transcript NM_025215.6 (MANE Select); coding-DNA position 59, G replaced by A.
Protein change: p.Gly20Glu; replaces glycine 20 with glutamic acid.
Molecular consequence: missense variant. On other transcripts: intron variant (2).
Genome position (GRCh38, 1-based): chr12:131,929,781, G>A. VCF-style: chr12-131929781-G-A. GRCh37 (hg19) VCF-style: chr12-132414326-G-A.
Other names: c.-10-126G>A (NM_001002019.3, NM_001002020.3); short protein forms G20E.
Identifiers: ClinVar variation 3623487 (VCV003623487.2).